The following is an entry in ClinVar:

NM_001382347.1(MYO5A):c.2438G>A (p.Arg813His)

Gene: MYO5A (myosin VA; minus strand). Cytogenetic location: 15q21.2.
Variant type: single nucleotide variant.
Coding change: c.2438G>A on transcript NM_001382347.1 (MANE Select); coding-DNA position 2438, G replaced by A.
Protein change: p.Arg813His; replaces arginine 813 with histidine.
Molecular consequence: missense variant.
Genome position (GRCh38, 1-based): chr15:52,375,443, C>T on the plus strand (G>A on the coding strand, the complement: MYO5A is on the minus strand). VCF-style: chr15-52375443-C-T. GRCh37 (hg19) VCF-style: chr15-52667640-C-T.
Other names: c.2438G>A, p.Arg813His (NM_000259.3, NM_001142495.2, NM_001411135.1); c.2510G>A, p.Arg837His (NM_001382348.1, NM_001382349.1); short protein forms R813H, R837H.
Identifiers: ClinVar variation 3063583 (VCV003063583.2), dbSNP rs561485938, ClinGen allele CA7568692.

ClinVar aggregate classification (germline): Uncertain significance. Review status: criteria provided, multiple submitters, no conflicts (2 of 4 stars). 2 submissions from 2 submitters: Uncertain significance (2). Last evaluated 2025-12-16.

Conditions:
Griscelli syndrome type 1 (GS1). Also called: GRISCELLI SYNDROME WITH NEUROLOGIC IMPAIRMENT; GRISCELLI SYNDROME, CUTANEOUS AND NEUROLOGIC TYPE; PARTIAL ALBINISM AND PRIMARY NEUROLOGIC DISEASE WITHOUT HEMOPHAGOCYTIC SYNDROME. Identifiers: Orphanet 381, Orphanet 79476, MedGen C1859194, MONDO:0008962, OMIM 214450.
Inborn genetic diseases. Identifiers: MedGen C0950123, MeSH D030342.

Allele frequency attached by ClinVar (database versions not stated): gnomAD 0.00004; 1000 Genomes Project 0.00020; 1000 Genomes Project 30x 0.00031.
gnomAD v4.1: 41 of 1,613,990 alleles (0.0025%); highest among the groups gnomAD compares: Middle Eastern, 0.033%; no homozygotes.

Submissions (2):

Ambry Genetics
Classification: Uncertain significance for Inborn genetic diseases. Last evaluated: 2025-12-16. Review status: criteria provided, single submitter. Criteria: Ambry Variant Classification Scheme 2023. Collection method: clinical testing. Allele origin: germline.

Institute of Immunology and Genetics Kaiserslautern
Classification: Uncertain significance for Griscelli syndrome type 1. Last evaluated: 2024-03-22. Review status: criteria provided, single submitter. Criteria: ACMG Guidelines, 2015. Collection method: clinical testing. Allele origin: germline. Affected: yes.
Comment: ACMG Criteria: PM2_P, PP3.